The following is an entry in ClinVar:

NM_000059.4(BRCA2):c.7648A>T (p.Ile2550Leu)

Gene: BRCA2 (BRCA2 DNA repair associated; plus strand). Cytogenetic location: 13q13.1.
Variant type: single nucleotide variant.
Coding change: c.7648A>T on transcript NM_000059.4 (MANE Select); coding-DNA position 7648, A replaced by T.
Protein change: p.Ile2550Leu; replaces isoleucine 2550 with leucine.
Molecular consequence: missense variant.
Genome position (GRCh38, 1-based): chr13:32,357,772, A>T. VCF-style: chr13-32357772-A-T. GRCh37 (hg19) VCF-style: chr13-32931909-A-T.
Other names: short protein forms I2550L.
Identifiers: ClinVar variation 1357747 (VCV001357747.8), dbSNP rs41293507, ClinGen allele CA387744907.

ClinVar aggregate classification (germline): Uncertain significance (1 of 4 stars; one submission).

Conditions:
Hereditary breast ovarian cancer syndrome. Also called: BRCA1- and BRCA2-Associated Hereditary Breast and Ovarian Cancer; Hereditary breast and ovarian cancer; Hereditary breast and/or ovarian cancer syndrome; Hereditary breast and ovarian cancer syndrome; Hereditary breast and ovarian cancer syndrome (HBOC); Breast and ovarian cancer. Identifiers: Orphanet 145, MedGen C0677776, MeSH D061325, MONDO:0003582. Disease mechanism: loss of function.

Submission:

Labcorp Genetics (formerly Invitae), Labcorp
Classification: Uncertain significance for Hereditary breast ovarian cancer syndrome. Last evaluated: 2024-07-31. Review status: criteria provided, single submitter. Criteria: Invitae Variant Classification Sherloc (09022015). Collection method: clinical testing. Allele origin: germline.
Comment: This sequence change replaces isoleucine, which is neutral and non-polar, with leucine, which is neutral and non-polar, at codon 2550 of the BRCA2 protein (p.Ile2550Leu). This variant is not present in population databases (gnomAD no frequency). This missense change has been observed in individual(s) with breast cancer (PMID: 29020660). ClinVar contains an entry for this variant (Variation ID: 1357747). Advanced modeling of protein sequence and biophysical properties (such as structural, functional, and spatial information, amino acid conservation, physicochemical variation, residue mobility, and thermodynamic stability) performed at Invitae indicates that this missense variant is not expected to disrupt BRCA2 protein function with a negative predictive value of 95%. RNA analysis performed to evaluate the impact of this missense change on mRNA splicing indicates it does not significantly alter splicing (Invitae). In summary, the available evidence is currently insufficient to determine the role of this variant in disease. Therefore, it has been classified as a Variant of Uncertain Significance.

Literature cited by the submitters: PubMed 29020660.